The following is an entry in ClinVar:

ClinVar aggregate classification (germline): Uncertain significance (1 of 4 stars; one submission).

Conditions:
Emery-Dreifuss muscular dystrophy 4, autosomal dominant (EDMD4). Also called: EMERY-DREIFUSS MUSCULAR DYSTROPHY 4 WITH VARIABLE FEATURES. Identifiers: Orphanet 261, MedGen C2751807, MONDO:0013071, OMIM 612998.
Autosomal recessive ataxia, Beauce type. Also called: SYNE1-Related Autosomal Recessive Cerebellar Ataxia; Spinocerebellar ataxia, autosomal recessive 8; ATAXIA, RECESSIVE, OF BEAUCE; SYNE1 Deficiency. Identifiers: Orphanet 88644, MedGen C1853116, MONDO:0012549, OMIM 610743.

Submission:

Labcorp Genetics (formerly Invitae), Labcorp
Classification: Uncertain significance for Emery-Dreifuss muscular dystrophy 4, autosomal dominant; Autosomal recessive ataxia, Beauce type. Last evaluated: 2020-11-21. Review status: criteria provided, single submitter. Criteria: Invitae Variant Classification Sherloc (09022015). Collection method: clinical testing. Allele origin: germline.
Comment: This sequence change replaces glutamic acid with glutamine at codon 4729 of the SYNE1 protein (p.Glu4729Gln). The glutamic acid residue is highly conserved and there is a small physicochemical difference between glutamic acid and glutamine. This variant is not present in population databases (ExAC no frequency). This variant has not been reported in the literature in individuals with SYNE1-related conditions. Algorithms developed to predict the effect of missense changes on protein structure and function output the following: SIFT: "Deleterious"; PolyPhen-2: "Benign"; Align-GVGD: "Class C25". The glutamine amino acid residue is found in multiple mammalian species, suggesting that this missense change does not adversely affect protein function. These predictions have not been confirmed by published functional studies and their clinical significance is uncertain. In summary, the available evidence is currently insufficient to determine the role of this variant in disease. Therefore, it has been classified as a Variant of Uncertain Significance.

NM_182961.4(SYNE1):c.14398G>C (p.Glu4800Gln)

Gene: SYNE1 (spectrin repeat containing nuclear envelope protein 1; minus strand). Cytogenetic location: 6q25.2.
Variant type: single nucleotide variant.
Coding change: c.14398G>C on transcript NM_182961.4 (MANE Select); coding-DNA position 14398, G replaced by C.
Protein change: p.Glu4800Gln; replaces glutamic acid 4800 with glutamine.
Molecular consequence: missense variant.
Genome position (GRCh38, 1-based): chr6:152,330,287, C>G on the plus strand (G>C on the coding strand, the complement: SYNE1 is on the minus strand). VCF-style: chr6-152330287-C-G. GRCh37 (hg19) VCF-style: chr6-152651422-C-G.
Other names: c.14185G>C, p.Glu4729Gln (NM_033071.5); short protein forms E4729Q, E4800Q.
Identifiers: ClinVar variation 1381494 (VCV001381494.8), dbSNP rs2096215013, ClinGen allele CA366097862.